The following is an entry in ClinVar:

ClinVar aggregate classification (germline): Uncertain significance (1 of 4 stars; one submission).

Conditions:
Charcot-Marie-Tooth disease, type I (CMT1). Also called: Charcot-Marie-Tooth disease type 1; Charcot-Marie-Tooth, Type 1. Identifiers: Orphanet 65753, MedGen C0751036, MONDO:0019011.

Submission:

Labcorp Genetics (formerly Invitae), Labcorp
Classification: Uncertain significance for Charcot-Marie-Tooth disease, type I. Last evaluated: 2014-06-03. Review status: criteria provided, single submitter. Criteria: Invitae Variant Classification Sherloc (09022015). Collection method: clinical testing. Allele origin: germline.
Comment: While the significance of this patient's sequence change is uncertain at this time, given its novelty, evidence from nearby clinical variants, and the probability that it is in an important functional domain, suggests that this sequence change may be a good candidate for disease causation. This substitution affects an evolutionarily well-conserved amino acid in the third zinc finger domain of the ERG2 protein which has previously been associated with Charcot-Marie-Tooth type 1 (PMID: 9537424, 22546699) and Dejerine-Sottas syndrome (DSS) (PMID: 17717711) This sequence change has not been reported in affected patients and has not been reported as a common polymorphism in the population.

Literature cited by the submitters: PubMed 9537424; PubMed 22546699; PubMed 17717711.

NM_000399.5(EGR2):c.1222G>T (p.Ala408Ser)

Gene: EGR2 (early growth response 2; minus strand). Cytogenetic location: 10q21.3.
Variant type: single nucleotide variant.
Coding change: c.1222G>T on transcript NM_000399.5 (MANE Select); coding-DNA position 1222, G replaced by T.
Protein change: p.Ala408Ser; replaces alanine 408 with serine.
Molecular consequence: missense variant.
Genome position (GRCh38, 1-based): chr10:62,813,416, C>A on the plus strand (G>T on the coding strand, the complement: EGR2 is on the minus strand). VCF-style: chr10-62813416-C-A. GRCh37 (hg19) VCF-style: chr10-64573176-C-A.
Other names: c.1222G>T, p.Ala408Ser (NM_001136177.3, NM_001136178.2); c.1072G>T, p.Ala358Ser (NM_001136179.3, NM_001321037.2); short protein forms A358S, A408S.
Identifiers: ClinVar variation 1011752 (VCV001011752.8), dbSNP rs1842164368, ClinGen allele CA377027319.